The following is an entry in ClinVar:

NM_002582.4(PARN):c.1673T>G (p.Phe558Cys)

Gene: PARN (poly(A)-specific ribonuclease; minus strand). Cytogenetic location: 16p13.12.
Variant type: single nucleotide variant.
Coding change: c.1673T>G on transcript NM_002582.4 (MANE Select); coding-DNA position 1673, T replaced by G.
Protein change: p.Phe558Cys; replaces phenylalanine 558 with cysteine.
Molecular consequence: missense variant.
Genome position (GRCh38, 1-based): chr16:14,447,079, A>C on the plus strand (T>G on the coding strand, the complement: PARN is on the minus strand). VCF-style: chr16-14447079-A-C. GRCh37 (hg19) VCF-style: chr16-14540936-A-C.
Other names: c.1490T>G, p.Phe497Cys (NM_001134477.3); c.1535T>G, p.Phe512Cys (NM_001242992.2); short protein forms F497C, F512C, F558C.
Identifiers: ClinVar variation 2089307 (VCV002089307.4), dbSNP rs2506562387, ClinGen allele CA395184621.

ClinVar aggregate classification (germline): Uncertain significance (1 of 4 stars; one submission).

Conditions:
Pulmonary fibrosis and/or bone marrow failure, Telomere-related, 4. Also called: PULMONARY FIBROSIS AND/OR BONE MARROW FAILURE SYNDROME, TELOMERE-RELATED, 4. Identifiers: Orphanet 2032, MedGen C4225347, MONDO:0014612, OMIM 616371.
Dyskeratosis congenita, autosomal recessive 6 (DKCB6). Identifiers: MedGen C4225356, MONDO:0014600, OMIM 616353.

Submission:

Labcorp Genetics (formerly Invitae), Labcorp
Classification: Uncertain significance for Dyskeratosis congenita, autosomal recessive 6; Pulmonary fibrosis and/or bone marrow failure, Telomere-related, 4. Last evaluated: 2022-01-23. Review status: criteria provided, single submitter. Criteria: Invitae Variant Classification Sherloc (09022015). Collection method: clinical testing. Allele origin: germline.
Comment: In summary, the available evidence is currently insufficient to determine the role of this variant in disease. Therefore, it has been classified as a Variant of Uncertain Significance. Algorithms developed to predict the effect of missense changes on protein structure and function are either unavailable or do not agree on the potential impact of this missense change (SIFT: "Deleterious"; PolyPhen-2: "Benign"; Align-GVGD: "Class C25"). This variant has not been reported in the literature in individuals affected with PARN-related conditions. This variant is not present in population databases (gnomAD no frequency). This sequence change replaces phenylalanine, which is neutral and non-polar, with cysteine, which is neutral and slightly polar, at codon 558 of the PARN protein (p.Phe558Cys).